The following is an entry in ClinVar:

ClinVar aggregate classification (germline): Uncertain significance (1 of 4 stars; one submission).

Conditions:
Autosomal recessive limb-girdle muscular dystrophy type 2J (LGMDR10). Also called: Limb-girdle muscular dystrophy, type 2J; MUSCULAR DYSTROPHY, LIMB-GIRDLE, AUTOSOMAL RECESSIVE 10. Identifiers: Orphanet 140922, MedGen C1837342, MONDO:0012127, OMIM 608807.
Dilated cardiomyopathy 1G (CMD1G). Identifiers: Orphanet 154, MedGen C1858763, MONDO:0011400, OMIM 604145.

Submission:

Labcorp Genetics (formerly Invitae), Labcorp
Classification: Uncertain significance for Dilated cardiomyopathy 1G; Autosomal recessive limb-girdle muscular dystrophy type 2J. Last evaluated: 2024-04-29. Review status: criteria provided, single submitter. Criteria: Invitae Variant Classification Sherloc (09022015). Collection method: clinical testing. Allele origin: germline.
Comment: This sequence change replaces serine, which is neutral and polar, with leucine, which is neutral and non-polar, at codon 34294 of the TTN protein (p.Ser34294Leu). This variant is not present in population databases (gnomAD no frequency). This variant has not been reported in the literature in individuals affected with TTN-related conditions. Experimental studies and prediction algorithms are not available or were not evaluated, and the functional significance of this variant is currently unknown. This variant is located in the M band of TTN (PMID: 25589632). Non-truncating variants in this region may be relevant for neuromuscular disorders, but have not been definitively shown to cause cardiomyopathy (PMID: 23975875). In summary, the available evidence is currently insufficient to determine the role of this variant in disease. Therefore, it has been classified as a Variant of Uncertain Significance.

Literature cited by the submitters: PubMed 25589632; PubMed 23975875.

NM_001267550.2(TTN):c.102881C>T (p.Ser34294Leu)

Genes: TTN-AS1 (TTN antisense RNA 1; plus strand), TTN (titin; minus strand). Cytogenetic location: 2q31.2.
Variant type: single nucleotide variant.
Coding change: c.102881C>T on transcript NM_001267550.2 (MANE Select); coding-DNA position 102881, C replaced by T.
Protein change: p.Ser34294Leu; replaces serine 34294 with leucine.
Molecular consequence: missense variant.
Genome position (GRCh38, 1-based): chr2:178,533,734, G>A on the plus strand (C>T on the coding strand, the complement: TTN is on the minus strand). VCF-style: chr2-178533734-G-A. GRCh37 (hg19) VCF-style: chr2-179398461-G-A.
Other names: c.97958C>T, p.Ser32653Leu (NM_001256850.1); c.75686C>T, p.Ser25229Leu (NM_003319.4); c.95177C>T, p.Ser31726Leu (NM_133378.4); c.76061C>T, p.Ser25354Leu (NM_133432.3); c.76262C>T, p.Ser25421Leu (NM_133437.4); short protein forms S25229L, S25354L, S25421L, S31726L, S32653L, S34294L.
Identifiers: ClinVar variation 3763300 (VCV003763300.2).